The following is an entry in ClinVar:

ClinVar aggregate classification (germline): Uncertain significance (1 of 4 stars; one submission).

Conditions:
TCF20-related disorder. Also called: TCF20-related condition.

Submission:

PreventionGenetics, part of Exact Sciences
Classification: Uncertain significance for TCF20-related condition. Last evaluated: 2025-02-17. Review status: criteria provided, single submitter. Criteria: ACMG Guidelines, 2015. Collection method: clinical testing. Allele origin: germline.
Comment: The TCF20 c.1048C>T variant is predicted to result in the amino acid substitution p.Pro350Ser. To our knowledge, this variant has not been reported in the literature or in a large population database (gnomAD), indicating this variant is rare. At this time, the clinical significance of this variant is uncertain due to the absence of conclusive functional and genetic evidence.

NM_001378418.1(TCF20):c.1048C>T (p.Pro350Ser)

Gene: TCF20 (transcription factor 20; minus strand). Cytogenetic location: 22q13.2.
Variant type: single nucleotide variant.
Coding change: c.1048C>T on transcript NM_001378418.1 (MANE Select); coding-DNA position 1048, C replaced by T.
Protein change: p.Pro350Ser; replaces proline 350 with serine.
Molecular consequence: missense variant.
Genome position (GRCh38, 1-based): chr22:42,214,258, G>A on the plus strand (C>T on the coding strand, the complement: TCF20 is on the minus strand). VCF-style: chr22-42214258-G-A. GRCh37 (hg19) VCF-style: chr22-42610264-G-A.
Other names: c.1048C>T, p.Pro350Ser (NM_005650.4, NM_181492.3); short protein forms P350S.
Identifiers: ClinVar variation 4997191 (VCV004997191.1).